The following is an entry in ClinVar:

ClinVar aggregate classification (germline): Likely pathogenic (1 of 4 stars; one submission).

Submission:

Dasa
Classification: Likely pathogenic. Last evaluated: 2025-05-30. Review status: criteria provided, single submitter. Criteria: DASA Assertion Criteria. Collection method: clinical testing. Allele origin: germline.
Comment: NM_022455.5(NSD1):c.3223G>T (p.Gly1075*) is a nonsense variant in NSD1 predicted to introduce a premature termination codon and is predicted to result in an absent or altered protein product. Loss of function is an established disease mechanism for NSD1 (PMID: 11896389; PMID: 17565729; PMID: 23190751). Also, this variant is absent from population databases. Based on the currently available evidence, this variant is classified as likely pathogenic.

Literature cited by the submitters: PubMed 11896389; PubMed 17565729; PubMed 23190751.

NM_022455.5(NSD1):c.3223G>T (p.Gly1075Ter)

Gene: NSD1 (nuclear receptor binding SET domain protein 1; plus strand). Cytogenetic location: 5q35.3.
Variant type: single nucleotide variant.
Coding change: c.3223G>T on transcript NM_022455.5 (MANE Select); coding-DNA position 3223, G replaced by T.
Protein change: p.Gly1075Ter; replaces glycine 1075 with a stop codon.
Molecular consequence: nonsense.
Genome position (GRCh38, 1-based): chr5:177,211,622, G>T. VCF-style: chr5-177211622-G-T. GRCh37 (hg19) VCF-style: chr5-176638623-G-T.
Other names: c.2350G>T, p.Gly784Ter (NM_001365684.2, NM_001409306.1, NM_001409307.1 and 3 more transcripts); c.3223G>T, p.Gly1075Ter (NM_001409301.1, NM_001409302.1, NM_001409303.1); c.2803G>T, p.Gly935Ter (NM_001409304.1); c.2470G>T, p.Gly824Ter (NM_001409305.1); short protein forms G1075*, G784*, G824*, G935*.
Identifiers: ClinVar variation 4880866 (VCV004880866.2).
Genomic context (GRCh38, chr5:177,211,622, plus strand): 5'-AAACTGAATCAGCTTCCAAGTGTGACTCTTGATGCTGTACTGCAGGGAGACCGAGAACGT[G>T]GAGGTTCATTGAGAGGTGGGGCAGAAGATCCTAGTAAAGAGGATCCCCTTCAGATAATGG-3'